The following is an entry in ClinVar:

NM_015450.3(POT1):c.34A>G (p.Thr12Ala)

Gene: POT1 (protection of telomeres 1; minus strand). Cytogenetic location: 7q31.33.
Variant type: single nucleotide variant.
Coding change: c.34A>G on transcript NM_015450.3 (MANE Select); coding-DNA position 34, A replaced by G.
Protein change: p.Thr12Ala; replaces threonine 12 with alanine.
Molecular consequence: missense variant. On other transcripts: 5 prime UTR variant (1), non-coding transcript variant (3).
Genome position (GRCh38, 1-based): chr7:124,892,356, T>C on the plus strand (A>G on the coding strand, the complement: POT1 is on the minus strand). VCF-style: chr7-124892356-T-C. GRCh37 (hg19) VCF-style: chr7-124532410-T-C.
Other names: c.-229A>G (NM_001042594.2); short protein forms T12A.
Identifiers: ClinVar variation 1732041 (VCV001732041.2), dbSNP rs1330070498, ClinGen allele CA369066248.

ClinVar aggregate classification (germline): Uncertain significance (1 of 4 stars; one submission).

Conditions:
Hereditary cancer-predisposing syndrome. Also called: Neoplastic Syndromes, Hereditary; Tumor predisposition; Hereditary Cancer Syndrome; Hereditary neoplastic syndrome. Identifiers: Orphanet 140162, MedGen C0027672, MeSH D009386, MONDO:0015356.

gnomAD v4.1: 1 of 1,488,270 alleles (0.000067%); highest among the groups gnomAD compares: Non-Finnish European, 0.000089%; no homozygotes.

Submission:

Ambry Genetics
Classification: Uncertain significance for Hereditary cancer-predisposing syndrome. Last evaluated: 2020-03-18. Review status: criteria provided, single submitter. Criteria: Ambry Variant Classification Scheme 2023. Collection method: clinical testing. Allele origin: germline.
Comment: The p.T12A variant (also known as c.34A>G), located in coding exon 2 of the POT1 gene, results from an A to G substitution at nucleotide position 34. The threonine at codon 12 is replaced by alanine, an amino acid with similar properties. This amino acid position is highly conserved in available vertebrate species. In addition, the in silico prediction for this alteration is inconclusive. Since supporting evidence is limited at this time, the clinical significance of this alteration remains unclear.